The following is an entry in ClinVar:

NM_002691.4(POLD1):c.55C>G (p.Arg19Gly)

Gene: POLD1 (DNA polymerase delta 1, catalytic subunit; plus strand). Cytogenetic location: 19q13.33.
Variant type: single nucleotide variant.
Coding change: c.55C>G on transcript NM_002691.4 (MANE Select); coding-DNA position 55, C replaced by G.
Protein change: p.Arg19Gly; replaces arginine 19 with glycine.
Molecular consequence: missense variant. On other transcripts: non-coding transcript variant (1).
Genome position (GRCh38, 1-based): chr19:50,398,906, C>G. VCF-style: chr19-50398906-C-G. GRCh37 (hg19) VCF-style: chr19-50902163-C-G.
Other names: c.55C>G, p.Arg19Gly (NM_001256849.1, NM_001308632.1); short protein forms R19G.
Identifiers: ClinVar variation 3722913 (VCV003722913.2).

ClinVar aggregate classification (germline): Uncertain significance (1 of 4 stars; one submission).

Conditions:
POLD1-related polyposis and colorectal cancer syndrome (CRCS10). Also called: Colorectal cancer 10; COLORECTAL CANCER, SUSCEPTIBILITY TO, ON CHROMOSOME 19q; Colorectal cancer, susceptibility to, 10. Identifiers: Orphanet 220460, MedGen C2675481, MONDO:0012953, OMIM 612591.

gnomAD v4.1: 3 of 1,600,818 alleles (0.00019%); highest among the groups gnomAD compares: Non-Finnish European, 0.00026%; no homozygotes.

Submission:

Labcorp Genetics (formerly Invitae), Labcorp
Classification: Uncertain significance for POLD1-related polyposis and colorectal cancer syndrome. Last evaluated: 2024-10-15. Review status: criteria provided, single submitter. Criteria: Invitae Variant Classification Sherloc (09022015). Collection method: clinical testing. Allele origin: germline.
Comment: This sequence change replaces arginine, which is basic and polar, with glycine, which is neutral and non-polar, at codon 19 of the POLD1 protein (p.Arg19Gly). This variant is not present in population databases (gnomAD no frequency). This variant has not been reported in the literature in individuals affected with POLD1-related conditions. Experimental studies and prediction algorithms are not available or were not evaluated, and the functional significance of this variant is currently unknown. In summary, the available evidence is currently insufficient to determine the role of this variant in disease. Therefore, it has been classified as a Variant of Uncertain Significance.